The following is an entry in ClinVar:

NM_001267550.2(TTN):c.86821+4T>C

Genes: TTN (titin; minus strand), TTN-AS1 (TTN antisense RNA 1; plus strand). Cytogenetic location: 2q31.2.
Variant type: single nucleotide variant.
Coding change: c.86821+4T>C on transcript NM_001267550.2 (MANE Select); 4 bases into the intron after coding-DNA position 86821, T replaced by C.
Molecular consequence: intron variant.
Genome position (GRCh38, 1-based): chr2:178,559,307, A>G on the plus strand (T>C on the coding strand, the complement: TTN is on the minus strand). VCF-style: chr2-178559307-A-G. GRCh37 (hg19) VCF-style: chr2-179424034-A-G.
Other names: c.59626+4T>C (NM_003319.4); c.60202+4T>C (NM_133437.4); c.60001+4T>C (NM_133432.3); c.79117+4T>C (NM_133378.4); c.81898+4T>C (NM_001256850.1).
Identifiers: ClinVar variation 3812213 (VCV003812213.1).

ClinVar aggregate classification (germline): Uncertain significance (1 of 4 stars; one submission).

Conditions:
Cardiovascular phenotype. Identifiers: MedGen CN230736.

gnomAD v4.1: 10 of 1,579,708 alleles (0.00063%); highest among the groups gnomAD compares: Non-Finnish European, 0.00077%; no homozygotes.

Submission:

Ambry Genetics
Classification: Uncertain significance for Cardiovascular phenotype. Last evaluated: 2024-12-28. Review status: criteria provided, single submitter. Criteria: Ambry Variant Classification Scheme 2023. Collection method: clinical testing. Allele origin: germline.
Comment: The c.59626+4T>C intronic variant results from a T to C substitution 4 nucleotides after coding exon 153 in the TTN gene. This nucleotide position is not well conserved in available vertebrate species. In silico splice site analysis predicts that this alteration will not have any significant effect on splicing. Based on the available evidence, the clinical significance of this variant remains unclear.